The following is an entry in ClinVar:

ClinVar aggregate classification (germline): Uncertain significance. Review status: criteria provided, multiple submitters, no conflicts (2 of 4 stars). 2 submissions from 2 submitters: Uncertain significance (2). Last evaluated 2024-12-02.

Allele frequency attached by ClinVar (database versions not stated): ExAC 0.00003; gnomAD exomes 0.00003 and 0.00009; gnomAD 0.00010 and 0.00011; TOPMed 0.00010.
gnomAD v4.1: 139 of 1,614,088 alleles (0.0086%); highest among the groups gnomAD compares: Middle Eastern, 0.016%; no homozygotes.

Submissions (2):

Labcorp Genetics (formerly Invitae), Labcorp
Classification: Uncertain significance. Last evaluated: 2024-12-02. Review status: criteria provided, single submitter. Criteria: Invitae Variant Classification Sherloc (09022015). Collection method: clinical testing. Allele origin: germline.
Comment: This sequence change replaces threonine, which is neutral and polar, with alanine, which is neutral and non-polar, at codon 949 of the KANK1 protein (p.Thr949Ala). This variant is present in population databases (rs746718406, gnomAD 0.01%). This variant has not been reported in the literature in individuals affected with KANK1-related conditions. ClinVar contains an entry for this variant (Variation ID: 1438922). Invitae Evidence Modeling of protein sequence and biophysical properties (such as structural, functional, and spatial information, amino acid conservation, physicochemical variation, residue mobility, and thermodynamic stability) indicates that this missense variant is not expected to disrupt KANK1 protein function with a negative predictive value of 80%. In summary, the available evidence is currently insufficient to determine the role of this variant in disease. Therefore, it has been classified as a Variant of Uncertain Significance.

Ambry Genetics
Classification: Uncertain significance. Last evaluated: 2021-09-27. Review status: criteria provided, single submitter. Criteria: Ambry Variant Classification Scheme 2023. Collection method: clinical testing. Allele origin: germline.

NM_015158.5(KANK1):c.2845A>G (p.Thr949Ala)

Gene: KANK1 (KN motif and ankyrin repeat domains 1; plus strand). Cytogenetic location: 9p24.3.
Variant type: single nucleotide variant.
Coding change: c.2845A>G on transcript NM_015158.5 (MANE Select); coding-DNA position 2845, A replaced by G.
Protein change: p.Thr949Ala; replaces threonine 949 with alanine.
Molecular consequence: missense variant. On other transcripts: non-coding transcript variant (1), intron variant (5).
Genome position (GRCh38, 1-based): chr9:730,197, A>G. VCF-style: chr9-730197-A-G. GRCh37 (hg19) VCF-style: chr9-730197-A-G.
Other names: c.2845A>G, p.Thr949Ala (NM_001256876.3, NM_001256877.3, NM_001354331.2 and 1 more transcripts); c.2371A>G, p.Thr791Ala (NM_001354333.2, NM_001354335.2, NM_001354337.2 and 5 more transcripts); c.2842+3A>G (NM_001354332.2); c.2368+3A>G (NM_001354336.2, NM_001354338.2, NM_001354340.2 and 1 more transcripts); c.2845A>G (NM_015158.2); short protein forms T949A, T791A.
Identifiers: ClinVar variation 1438922 (VCV001438922.7), dbSNP rs746718406, ClinGen allele CA4960632.